The following continues an entry in ClinVar:

NM_032043.3(BRIP1):c.2440C>T (p.Arg814Cys)

Gene: BRIP1. ClinVar aggregate classification (germline): Conflicting classifications of pathogenicity. Uncertain significance (4); Benign (5); Likely benign (8).

Submission 21 of 21:

Department of Pathology and Laboratory Medicine, Sinai Health System
Classification: Uncertain significance for Malignant tumor of breast. Review status: no assertion criteria provided. Collection method: clinical testing. Allele origin: unknown. Affected: yes. Observed: 3 variant alleles. Study: The Canadian Open Genetics Repository (COGR). Not counted in ClinVar's aggregate classification.
Comment: The BRIP1 p.Arg814Cys variant was identified in 3 of 1382 proband chromosomes (frequency: 0.002) from individuals or families with breast, colorectal cancer (Lin 2016, Ng 2016, Pearlman 2016). The variant was also identified in dbSNP (ID: rs201869624) as With Uncertain significance allele, ClinVar (classified as uncertain significance by Ambry Genetics, GeneDx; classified as likely benign by Invitae), Clinvitae (classified as uncertain significance by ClinVar, Invitae). The variant was not identified in the Cosmic, MutDB, or Zhejiang Colon Cancer Database. The variant was identified in control databases in 117 of 276074 chromosomes at a frequency of 0.000424 in east Asian and south Asian populations, increasing the likelihood that this may be a low frequency benign variant in certain populations of origin (Genome Aggregation Consortium Feb 27, 2017). The p.Arg814 residue is conserved in mammals and computational analyses (PolyPhen-2, SIFT, AlignGVGD, BLOSUM, MutationTaster) provide inconsistent predictions regarding the impact to the protein; this information is not very predictive of pathogenicity. The variant occurs outside of the splicing consensus sequence and 1 of 5 in silico or computational prediction software programs (SpliceSiteFinder, MaxEntScan, NNSPLICE, GeneSplicer, HumanSpliceFinder) predict a greater than 10% difference in splicing; this is not very predictive of pathogenicity. In summary, based on the above information, the clinical significance of this variant cannot be determined with certainty at this time. This variant is classified as a variant of uncertain significance.

Literature cited by the submitters: PubMed 29263802 (cited by Center for Genomic Medicine, Rigshospitalet, Copenhagen University Hospital); PubMed 28796317 (cited by 4 submitters); PubMed 33471991 (cited by Quest Diagnostics Nichols Institute San Juan Capistrano); PubMed 26689913 (cited by Quest Diagnostics Nichols Institute San Juan Capistrano); PubMed 26757417 (cited by 4 submitters); PubMed 27978560 (cited by 3 submitters); PubMed 26824983 (cited by 5 submitters); PubMed 26315354 (cited by 3 submitters); PubMed 26921362 (cited by Quest Diagnostics Nichols Institute San Juan Capistrano); PubMed 31214711 (cited by Quest Diagnostics Nichols Institute San Juan Capistrano and Leiden Open Variation Database); PubMed 32906206 (cited by Quest Diagnostics Nichols Institute San Juan Capistrano); PubMed 32019284 (cited by Quest Diagnostics Nichols Institute San Juan Capistrano and Ambry Genetics); PubMed 38509102 (cited by Quest Diagnostics Nichols Institute San Juan Capistrano); PubMed 31159747 (cited by Sema4 and Ambry Genetics); PubMed 30093976 (cited by Sema4); PubMed 26822149 (cited by Women's Health and Genetics/Laboratory Corporation of America, LabCorp); PubMed 24728327 (cited by Women's Health and Genetics/Laboratory Corporation of America, LabCorp and ITMI); PubMed 23555315 (cited by Women's Health and Genetics/Laboratory Corporation of America, LabCorp); PubMed 25256751 (cited by Women's Health and Genetics/Laboratory Corporation of America, LabCorp); PubMed 27150160 (cited by Women's Health and Genetics/Laboratory Corporation of America, LabCorp); PubMed 25186627 (cited by Counsyl); PubMed 26580448 (cited by Counsyl).